The following is an entry in ClinVar:

ClinVar aggregate classification (germline): Pathogenic. Review status: criteria provided, multiple submitters, no conflicts (2 of 4 stars). 5 submissions from 4 submitters: Pathogenic (4). 1 of the submissions does not count toward it. Last evaluated 2024-02-04.

Conditions:
Pendred syndrome (PDS). Also called: HYPOTHYROIDISM, CONGENITAL, DUE TO DYSHORMONOGENESIS, 2B; Pendred's syndrome; THYROID DYSHORMONOGENESIS 2B; THYROID HORMONOGENESIS, GENETIC DEFECT IN, 2B; Pendred Syndrome (PDS); DEAFNESS WITH GOITER. Identifiers: Orphanet 705, MedGen C0271829, MONDO:0010134, OMIM 274600.
Autosomal recessive nonsyndromic hearing loss 4 (DFNB4). Also called: DEAFNESS, AUTOSOMAL RECESSIVE 4, WITH ENLARGED VESTIBULAR AQUEDUCT, DIGENIC; Deafness, autosomal recessive 4; Enlarged vestibular aqueduct, digenic; FOXI1-Related Pendred Syndrome; KCNJ10-Related Pendred Syndrome; Deafness, autosomal recessive 4, with enlarged vestibular aqueduct. Identifiers: Orphanet 90636, MedGen C3538946, MONDO:0010933, OMIM 600791.

Submissions (5):

Labcorp Genetics (formerly Invitae), Labcorp
Classification: Pathogenic. Last evaluated: 2024-02-04. Review status: criteria provided, single submitter. Criteria: Invitae Variant Classification Sherloc (09022015). Collection method: clinical testing. Allele origin: germline.
Comment: This sequence change creates a premature translational stop signal (p.Leu743*) in the SLC26A4 gene. It is expected to result in an absent or disrupted protein product. Loss-of-function variants in SLC26A4 are known to be pathogenic (PMID: 16283880, 25394566, 26252218, 26445815). This variant is not present in population databases (gnomAD no frequency). This premature translational stop signal has been observed in individual(s) with SLC26A4-related conditions (PMID: 23185506). ClinVar contains an entry for this variant (Variation ID: 371476). For these reasons, this variant has been classified as Pathogenic.

Genome-Nilou Lab
Classification: Pathogenic for Autosomal recessive nonsyndromic hearing loss 4. Last evaluated: 2021-09-05. Review status: criteria provided, single submitter. Criteria: ACMG Guidelines, 2015. Collection method: clinical testing. Allele origin: germline. Affected: no.

Genome-Nilou Lab
Classification: Pathogenic for Pendred syndrome. Last evaluated: 2021-09-05. Review status: criteria provided, single submitter. Criteria: ACMG Guidelines, 2015. Collection method: clinical testing. Allele origin: germline. Affected: no.

Division of Hearing and Balance Research, National Hospital Organization Tokyo Medical Center
Classification: Pathogenic for Autosomal recessive nonsyndromic hearing loss 4. Last evaluated: 2017-07-01. Review status: criteria provided, single submitter. Criteria: Submitter's publication. Collection method: clinical testing. Allele origin: germline. Affected: yes. Observed: 1 variant allele.

Counsyl
Classification: Pathogenic for Pendred syndrome. Last evaluated: 2016-10-03. Review status: no assertion criteria provided. Collection method: clinical testing. Allele origin: unknown. Not counted in ClinVar's aggregate classification.

Literature cited by the submitters: PubMed 16283880 (cited by Labcorp Genetics (formerly Invitae), Labcorp); PubMed 25394566 (cited by Labcorp Genetics (formerly Invitae), Labcorp); PubMed 26252218 (cited by Labcorp Genetics (formerly Invitae), Labcorp); PubMed 26445815 (cited by Labcorp Genetics (formerly Invitae), Labcorp); PubMed 23185506 (cited by Labcorp Genetics (formerly Invitae), Labcorp and Counsyl); PubMed 25788563 (cited by Counsyl); PubMed 24105851 (cited by Counsyl).

NM_000441.2(SLC26A4):c.2228T>A (p.Leu743Ter)

Gene: SLC26A4 (solute carrier family 26 member 4; plus strand). Cytogenetic location: 7q22.3.
Variant type: single nucleotide variant.
Coding change: c.2228T>A on transcript NM_000441.2 (MANE Select); coding-DNA position 2228, T replaced by A.
Protein change: p.Leu743Ter; replaces leucine 743 with a stop codon.
Molecular consequence: nonsense.
Genome position (GRCh38, 1-based): chr7:107,710,192, T>A. VCF-style: chr7-107710192-T-A. GRCh37 (hg19) VCF-style: chr7-107350637-T-A.
Other names: short protein forms L743*.
Identifiers: ClinVar variation 371476 (VCV000371476.7), dbSNP rs1057517303, ClinGen allele CA16041118.